The following is an entry in ClinVar:

ClinVar aggregate classification (germline): Uncertain significance (1 of 4 stars; one submission).

Conditions:
Hereditary cancer-predisposing syndrome. Also called: Hereditary Cancer Syndrome; Hereditary neoplastic syndrome; Tumor predisposition; Neoplastic Syndromes, Hereditary. Identifiers: Orphanet 140162, MedGen C0027672, MeSH D009386, MONDO:0015356.

Submission:

Ambry Genetics
Classification: Uncertain significance for Hereditary cancer-predisposing syndrome. Last evaluated: 2024-09-16. Review status: criteria provided, single submitter. Criteria: Ambry Variant Classification Scheme 2023. Collection method: clinical testing. Allele origin: germline.
Comment: The p.S481R variant (also known as c.1441A>C), located in coding exon 9 of the KIT gene, results from an A to C substitution at nucleotide position 1441. The serine at codon 481 is replaced by arginine, an amino acid with dissimilar properties. This amino acid position is conserved. In addition, this alteration is predicted to be tolerated by in silico analysis. Based on the available evidence, the clinical significance of this variant remains unclear.

NM_000222.3(KIT):c.1441A>C (p.Ser481Arg)

Gene: KIT (KIT proto-oncogene, receptor tyrosine kinase; plus strand). Cytogenetic location: 4q12.
Variant type: single nucleotide variant.
Coding change: c.1441A>C on transcript NM_000222.3 (MANE Select); coding-DNA position 1441, A replaced by C.
Protein change: p.Ser481Arg; replaces serine 481 with arginine.
Molecular consequence: missense variant.
Genome position (GRCh38, 1-based): chr4:54,725,951, A>C. VCF-style: chr4-54725951-A-C. GRCh37 (hg19) VCF-style: chr4-55592117-A-C.
Other names: c.1441A>C, p.Ser481Arg (NM_001093772.2, NM_001385285.1, NM_001385286.1); c.1444A>C, p.Ser482Arg (NM_001385284.1, NM_001385288.1, NM_001385290.1 and 1 more transcripts); short protein forms S482R, S481R.
Identifiers: ClinVar variation 3534712 (VCV003534712.1).
Genomic context (GRCh38, chr4:54,725,951, plus strand): 5'-ACACTAAACTCATCTGGGCCACCGTTTGGAAAGCTAGTGGTTCAGAGTTCTATAGATTCT[A>C]GTGCATTCAAGCACAATGGCACGGTTGAATGTAAGGCTTACAACGATGTGGGCAAGACTT-3'
Protein context (NP_000213.1, residues 471-491): KLVVQSSIDS[Ser481Arg]AFKHNGTVEC